The following is an entry in ClinVar:

NM_001374828.1(ARID1B):c.893T>G (p.Val298Gly)

Genes: ARID1B (AT-rich interaction domain 1B; plus strand), LOC129997525 (ATAC-STARR-seq lymphoblastoid silent region 17712; plus strand). Cytogenetic location: 6q25.3.
Variant type: single nucleotide variant.
Coding change: c.893T>G on transcript NM_001374828.1 (MANE Select); coding-DNA position 893, T replaced by G.
Protein change: p.Val298Gly; replaces valine 298 with glycine.
Molecular consequence: missense variant.
Genome position (GRCh38, 1-based): chr6:156,778,573, T>G. VCF-style: chr6-156778573-T-G. GRCh37 (hg19) VCF-style: chr6-157099707-T-G.
Other names: c.644T>G, p.Val215Gly (NM_001346813.1, NM_020732.3); c.893T>G, p.Val298Gly (NM_001371656.1, NM_001374820.1, NM_017519.3); c.470T>G, p.Val157Gly (NM_175863.2); short protein forms V215G, V298G, V157G.
Identifiers: ClinVar variation 2382542 (VCV002382542.2), dbSNP rs1446953650, ClinGen allele CA366382350.

ClinVar aggregate classification (germline): Uncertain significance (1 of 4 stars; one submission).

Conditions:
Inborn genetic diseases. Identifiers: MedGen C0950123, MeSH D030342.

Submission:

Ambry Genetics
Classification: Uncertain significance for Inborn genetic diseases. Last evaluated: 2021-03-31. Review status: criteria provided, single submitter. Criteria: Ambry Variant Classification Scheme 2023. Collection method: clinical testing. Allele origin: germline.
Comment: The c.644T>G (p.V215G) alteration is located in exon 1 (coding exon 1) of the ARID1B gene. This alteration results from a T to G substitution at nucleotide position 644, causing the valine (V) at amino acid position 215 to be replaced by a glycine (G). The p.V215G alteration is predicted to be tolerated by in silico analysis. Based on insufficient or conflicting evidence, the clinical significance of this alteration remains unclear.